The following is an entry in ClinVar:

NM_017934.7(PHIP):c.2938A>G (p.Lys980Glu)

Genes: IRAK1BP1 (interleukin 1 receptor associated kinase 1 binding protein 1; plus strand), PHIP (PHIP subunit of CUL4-Ring ligase complex; minus strand). Cytogenetic location: 6q14.1.
Variant type: single nucleotide variant.
Coding change: c.2938A>G on transcript NM_017934.7 (MANE Select); coding-DNA position 2938, A replaced by G.
Protein change: p.Lys980Glu; replaces lysine 980 with glutamic acid.
Molecular consequence: missense variant.
Genome position (GRCh38, 1-based): chr6:78,970,840, T>C on the plus strand (A>G on the coding strand, the complement: PHIP is on the minus strand). VCF-style: chr6-78970840-T-C. GRCh37 (hg19) VCF-style: chr6-79680557-T-C.
Other names: c.2938A>G (NM_017934.5); short protein forms K980E.
Identifiers: ClinVar variation 3678543 (VCV003678543.3).

ClinVar aggregate classification (germline): Uncertain significance. Review status: criteria provided, multiple submitters, no conflicts (2 of 4 stars). 2 submissions from 2 submitters: Uncertain significance (2). Last evaluated 2024-12-31.

Submissions (2):

GeneDx
Classification: Uncertain significance. Last evaluated: 2024-12-31. Review status: criteria provided, single submitter. Criteria: GeneDx Variant Classification Process June 2021. Collection method: clinical testing. Allele origin: germline. Affected: yes.
Comment: Not observed at significant frequency in large population cohorts (gnomAD); In silico analysis indicates that this missense variant does not alter protein structure/function; Has not been previously published as pathogenic or benign to our knowledge

Labcorp Genetics (formerly Invitae), Labcorp
Classification: Uncertain significance. Last evaluated: 2024-09-10. Review status: criteria provided, single submitter. Criteria: Invitae Variant Classification Sherloc (09022015). Collection method: clinical testing. Allele origin: germline.
Comment: This sequence change replaces lysine, which is basic and polar, with glutamic acid, which is acidic and polar, at codon 980 of the PHIP protein (p.Lys980Glu). This variant is not present in population databases (gnomAD no frequency). This variant has not been reported in the literature in individuals affected with PHIP-related conditions. Invitae Evidence Modeling of protein sequence and biophysical properties (such as structural, functional, and spatial information, amino acid conservation, physicochemical variation, residue mobility, and thermodynamic stability) indicates that this missense variant is not expected to disrupt PHIP protein function with a negative predictive value of 80%. In summary, the available evidence is currently insufficient to determine the role of this variant in disease. Therefore, it has been classified as a Variant of Uncertain Significance.